The following is an entry in ClinVar:

NM_018191.4(RCBTB1):c.412C>T (p.His138Tyr)

Gene: RCBTB1 (RCC1 and BTB domain containing protein 1; minus strand). Cytogenetic location: 13q14.2.
Variant type: single nucleotide variant.
Coding change: c.412C>T on transcript NM_018191.4 (MANE Select); coding-DNA position 412, C replaced by T.
Protein change: p.His138Tyr; replaces histidine 138 with tyrosine.
Molecular consequence: missense variant. On other transcripts: 5 prime UTR variant (1), non-coding transcript variant (2).
Genome position (GRCh38, 1-based): chr13:49,559,950, G>A on the plus strand (C>T on the coding strand, the complement: RCBTB1 is on the minus strand). VCF-style: chr13-49559950-G-A. GRCh37 (hg19) VCF-style: chr13-50134086-G-A.
Other names: c.412C>T, p.His138Tyr (NM_001352500.2, NM_001352501.2, NM_001352502.2 and 3 more transcripts); c.-198C>T (NM_001352506.2); short protein forms H138Y.
Identifiers: ClinVar variation 2111950 (VCV002111950.4), dbSNP rs2547444295, ClinGen allele CA388192112.

ClinVar aggregate classification (germline): Uncertain significance (1 of 4 stars; one submission).

Submission:

Labcorp Genetics (formerly Invitae), Labcorp
Classification: Uncertain significance. Last evaluated: 2022-03-14. Review status: criteria provided, single submitter. Criteria: Invitae Variant Classification Sherloc (09022015). Collection method: clinical testing. Allele origin: germline.
Comment: This sequence change replaces histidine, which is basic and polar, with tyrosine, which is neutral and polar, at codon 138 of the RCBTB1 protein (p.His138Tyr). This variant is not present in population databases (gnomAD no frequency). This variant has not been reported in the literature in individuals affected with RCBTB1-related conditions. Algorithms developed to predict the effect of missense changes on protein structure and function are either unavailable or do not agree on the potential impact of this missense change (SIFT: "Deleterious"; PolyPhen-2: "Benign"; Align-GVGD: "Class C0"). In summary, the available evidence is currently insufficient to determine the role of this variant in disease. Therefore, it has been classified as a Variant of Uncertain Significance.